The following is an entry in ClinVar:

NM_000138.5(FBN1):c.2539+1G>A

Gene: FBN1 (fibrillin 1; minus strand). Cytogenetic location: 15q21.1.
Variant type: single nucleotide variant.
Coding change: c.2539+1G>A on transcript NM_000138.5 (MANE Select); the canonical splice donor site of the intron after coding-DNA position 2539, G replaced by A.
Molecular consequence: splice donor variant.
Genome position (GRCh38, 1-based): chr15:48,495,468, C>T on the plus strand (G>A on the coding strand, the complement: FBN1 is on the minus strand). VCF-style: chr15-48495468-C-T. GRCh37 (hg19) VCF-style: chr15-48787665-C-T.
Other names: c.2539+1G>A (NM_001406716.1).
Identifiers: ClinVar variation 199998 (VCV000199998.13), dbSNP rs794728192, ClinGen allele CA013192.

ClinVar aggregate classification (germline): Pathogenic/Likely pathogenic. Review status: criteria provided, multiple submitters, no conflicts (2 of 4 stars). 3 submissions from 3 submitters: Pathogenic (2); Likely pathogenic (1). Last evaluated 2023-07-28.

Conditions:
Marfan syndrome (MFS). Also called: Marfan syndrome, classic; FBN1-Related Marfan Syndrome; Marfan syndrome type 1; Marfan's syndrome; MARFAN SYNDROME, TYPE I. Identifiers: Orphanet 284963, Orphanet 558, MedGen C0024796, MONDO:0007947, OMIM 154700.
Familial thoracic aortic aneurysm and aortic dissection (TAAD). Also called: Thoracic aortic aneurysms and dissections. Identifiers: Orphanet 91387, MedGen C4707243, MONDO:0019625.
FBN1-related disorder. Also called: FBN1-related disorders.

Submissions (3):

Labcorp Genetics (formerly Invitae), Labcorp
Classification: Pathogenic for Marfan syndrome; Familial thoracic aortic aneurysm and aortic dissection. Last evaluated: 2023-07-28. Review status: criteria provided, single submitter. Criteria: Invitae Variant Classification Sherloc (09022015). Collection method: clinical testing. Allele origin: germline.
Comment: For these reasons, this variant has been classified as Pathogenic. Algorithms developed to predict the effect of sequence changes on RNA splicing suggest that this variant may disrupt the consensus splice site. Disruption of this splice site has been observed in individuals with clinical features of FBN1-related conditions (PMID: 12161601, 31830381; Invitae). ClinVar contains an entry for this variant (Variation ID: 199998). This variant is not present in population databases (gnomAD no frequency). This sequence change affects a donor splice site in intron 21 of the FBN1 gene. It is expected to disrupt RNA splicing. Variants that disrupt the donor or acceptor splice site typically lead to a loss of protein function (PMID: 16199547), and loss-of-function variants in FBN1 are known to be pathogenic (PMID: 17657824, 19293843).

GeneDx
Classification: Likely pathogenic. Last evaluated: 2023-01-11. Review status: criteria provided, single submitter. Criteria: GeneDx Variant Classification Process June 2021. Collection method: clinical testing. Allele origin: germline. Affected: yes.
Comment: Not observed at significant frequency in large population cohorts (gnomAD); Canonical splice site variant expected to result in aberrant splicing, although in the absence of functional evidence the actual effect of this sequence change is unknown; Splice site variants involving coding exons of this gene are a known mechanism of disease (HGMD); This variant is associated with the following publications: (PMID: 25525159, 12161601)

Blueprint Genetics
Classification: Pathogenic for FBN1-related disorders. Last evaluated: 2019-03-21. Review status: criteria provided, single submitter. Criteria: ACMG Guidelines, 2015. Collection method: clinical testing. Allele origin: germline. Affected: yes. Observed: 1 variant allele.

Literature cited by the submitters: PubMed 12161601 (cited by Labcorp Genetics (formerly Invitae), Labcorp); PubMed 31830381 (cited by Labcorp Genetics (formerly Invitae), Labcorp); PubMed 16199547 (cited by Labcorp Genetics (formerly Invitae), Labcorp); PubMed 17657824 (cited by Labcorp Genetics (formerly Invitae), Labcorp); PubMed 19293843 (cited by Labcorp Genetics (formerly Invitae), Labcorp).